The following is an entry in ClinVar:

NM_001366521.1(ATP2B1):c.1265T>C (p.Ile422Thr)

Gene: ATP2B1 (ATPase plasma membrane Ca2+ transporting 1; minus strand). Cytogenetic location: 12q21.33.
Variant type: single nucleotide variant.
Coding change: c.1265T>C on transcript NM_001366521.1 (MANE Select); coding-DNA position 1265, T replaced by C.
Protein change: p.Ile422Thr; replaces isoleucine 422 with threonine.
Molecular consequence: missense variant. On other transcripts: non-coding transcript variant (3).
Genome position (GRCh38, 1-based): chr12:89,624,262, A>G on the plus strand (T>C on the coding strand, the complement: ATP2B1 is on the minus strand). VCF-style: chr12-89624262-A-G. GRCh37 (hg19) VCF-style: chr12-90018039-A-G.
Other names: c.1265T>C, p.Ile422Thr (NM_001001323.2, NM_001366520.1, NM_001366522.1 and 13 more transcripts); c.1067T>C, p.Ile356Thr (NM_001366530.1, NM_001413053.1); c.704T>C, p.Ile235Thr (NM_001366531.1, NM_001366532.1, NM_001413058.1 and 2 more transcripts); c.1226T>C, p.Ile409Thr (NM_001413048.1); c.1124T>C, p.Ile375Thr (NM_001413051.1, NM_001413052.1, NM_001413055.1); c.1010T>C, p.Ile337Thr (NM_001413056.1); c.812T>C, p.Ile271Thr (NM_001413057.1); short protein forms I235T, I271T, I337T, I356T, I375T, I409T, I422T.
Identifiers: ClinVar variation 3768085 (VCV003768085.1).

ClinVar aggregate classification (germline): Uncertain significance (1 of 4 stars; one submission).

gnomAD v4.1: 1 of 1,614,222 alleles (0.000062%); highest among the groups gnomAD compares: Non-Finnish European, 0.000085%; no homozygotes.

Submission:

Women's Health and Genetics/Laboratory Corporation of America, LabCorp
Classification: Uncertain significance. Last evaluated: 2024-12-30. Review status: criteria provided, single submitter. Criteria: LabCorp Variant Classification Summary - May 2015. Collection method: clinical testing. Allele origin: germline.
Comment: Variant summary: ATP2B1 c.1265T>C (p.Ile422Thr) results in a non-conservative amino acid change in the encoded protein sequence. Three of five in-silico tools predict a damaging effect of the variant on protein function. The variant was absent in 251192 control chromosomes. The available data on variant occurrences in the general population are insufficient to allow any conclusion about variant significance. To our knowledge, no occurrence of c.1265T>C in individuals affected with Intellectual Developmental Disorder, Autosomal Dominant 66 and no experimental evidence demonstrating its impact on protein function have been reported. No submitters have cited clinical-significance assessments for this variant to ClinVar. Based on the evidence outlined above, the variant was classified as uncertain significance.